The following is an entry in ClinVar:

ClinVar aggregate classification (germline): Likely benign. Review status: criteria provided, multiple submitters, no conflicts (2 of 4 stars). 3 submissions from 3 submitters: Likely benign (3). Last evaluated 2025-10-28.

Conditions:
Hereditary cancer-predisposing syndrome. Also called: Neoplastic Syndromes, Hereditary; Tumor predisposition; Hereditary neoplastic syndrome; Hereditary Cancer Syndrome. Identifiers: Orphanet 140162, MedGen C0027672, MeSH D009386, MONDO:0015356.
Retinoblastoma (RB1). Also called: RETINOBLASTOMA, SOMATIC. Identifiers: Orphanet 790, MedGen C0035335, MeSH D012175, MONDO:0008380, OMIM 180200, HP:0009919. Disease mechanism: loss of function. Inheritance: Both sporadic and heritable forms are tested..

Allele frequency attached by ClinVar (database versions not stated): gnomAD exomes below 0.00001.
gnomAD v4.1: 2 of 1,589,552 alleles (0.00013%); highest among the groups gnomAD compares: South Asian, 0.0022%; no homozygotes.

Submissions (3):

Labcorp Genetics (formerly Invitae), Labcorp
Classification: Likely benign for Retinoblastoma. Last evaluated: 2025-10-28. Review status: criteria provided, single submitter. Criteria: Invitae Variant Classification Sherloc (09022015). Collection method: clinical testing. Allele origin: germline.

All of Us Research Program, National Institutes of Health
Classification: Likely benign for Retinoblastoma. Last evaluated: 2024-06-09. Review status: criteria provided, single submitter. Criteria: ACMG Guidelines, 2015. Collection method: clinical testing. Allele origin: germline. Inheritance: Autosomal dominant inheritance. Observed: 1 variant allele, 1 heterozygote.
Comment: This study involves interpretation of variants in research participants for the purpose of population health screening. Participant phenotype was not available at the time of variant classification. Additional details can be found in publication PMID: 35346344, PMCID: PMC8962531

Ambry Genetics
Classification: Likely benign for Hereditary cancer-predisposing syndrome. Last evaluated: 2024-02-15. Review status: criteria provided, single submitter. Criteria: Ambry Variant Classification Scheme 2023. Collection method: clinical testing. Allele origin: germline.

NM_000321.3(RB1):c.534C>T (p.Ser178=)

Gene: RB1 (RB transcriptional corepressor 1; plus strand). Cytogenetic location: 13q14.2.
Variant type: single nucleotide variant.
Coding change: c.534C>T on transcript NM_000321.3 (MANE Select); coding-DNA position 534, C replaced by T.
Protein change: p.Ser178=; no amino-acid change (serine 178 retained).
Molecular consequence: synonymous variant.
Genome position (GRCh38, 1-based): chr13:48,347,858, C>T. VCF-style: chr13-48347858-C-T. GRCh37 (hg19) VCF-style: chr13-48921994-C-T.
Other names: c.534C>T, p.Ser178= (NM_001407165.1, NM_001407166.1).
Identifiers: ClinVar variation 3231240 (VCV003231240.3), dbSNP rs2138091716, ClinGen allele CA483557480.